The following is an entry in ClinVar:

NM_002350.4(LYN):c.321A>G (p.Thr107=)

Gene: LYN (LYN proto-oncogene, Src family tyrosine kinase; plus strand). Cytogenetic location: 8q12.1.
Variant type: single nucleotide variant.
Coding change: c.321A>G on transcript NM_002350.4 (MANE Select); coding-DNA position 321, A replaced by G.
Protein change: p.Thr107=; no amino-acid change (threonine 107 retained).
Molecular consequence: synonymous variant.
Genome position (GRCh38, 1-based): chr8:55,950,495, A>G. VCF-style: chr8-55950495-A-G. GRCh37 (hg19) VCF-style: chr8-56863054-A-G.
Other names: c.258A>G, p.Thr86= (NM_001111097.3).
Identifiers: ClinVar variation 3388301 (VCV003388301.14).

ClinVar aggregate classification (germline): Likely benign (1 of 4 stars; one submission).

gnomAD v4.1: 2 of 1,613,064 alleles (0.00012%); highest among the groups gnomAD compares: Middle Eastern, 0.017%; no homozygotes.

Submission:

CeGaT Center for Human Genetics Tuebingen
Classification: Likely benign. Last evaluated: 2024-10-01. Review status: criteria provided, single submitter. Criteria: CeGaT Center For Human Genetics Tuebingen Variant Classification Criteria Version 2. Collection method: clinical testing. Allele origin: germline. Affected: yes. Observed: 1 variant allele.
Comment: LYN: BP4, BP7